The following is an entry in ClinVar:

NM_181426.2(CCDC39):c.610_613del

Gene: CCDC39 (coiled-coil domain 39 molecular ruler complex subunit; minus strand). Cytogenetic location: 3q26.33.
Variant type: Deletion.
Coding change: c.610_613del on transcript NM_181426.2 (MANE Select); coding-DNA positions 610 to 613, 4 bases deleted (TTAG; older notation c.610_613delTTAG).
Molecular consequence: splice acceptor variant.
Genome position (GRCh38, 1-based): chr3:180,659,577-180,659,580, CTAA deleted on the plus strand (TTAG on the coding strand, the reverse complement: CCDC39 is on the minus strand); deleting any 4 consecutive bases within chr3:180,659,577-180,659,582 gives the same sequence; the c. name uses the placement nearest the transcript's 3' end. VCF-style (leftmost placement, unchanged base first): chr3-180659576-TCTAA-T. GRCh37 (hg19) VCF-style: chr3-180377364-TCTAA-T.
Identifiers: ClinVar variation 525300 (VCV000525300.13), dbSNP rs1415346246, ClinGen allele CA548337188.
Genomic context (GRCh38, chr3:180,659,576, plus strand): 5'-TTAATGAGTTCTTGTCTTTCATTATGAATCTTACGAAAATCTTGTGCTGCTTTATCCAAT[TCTAA>T]CTGTCAAACAGAGAGCAAAGAACATTTCTGTGAATTTAAGTGGTTTTGCAAACATCACCT-3'

ClinVar aggregate classification (germline): Pathogenic/Likely pathogenic. Review status: criteria provided, multiple submitters, no conflicts (2 of 4 stars). 4 submissions from 4 submitters: Pathogenic (1); Likely pathogenic (2). 1 of the submissions does not count toward it. Last evaluated 2024-02-25.

Conditions:
CCDC39-related disorder. Also called: CCDC39-related condition.
Primary ciliary dyskinesia. Also called: Ciliary dyskinesia. Identifiers: Orphanet 244, MedGen C0008780, MONDO:0016575, HP:0012265.
Primary ciliary dyskinesia 14. Also called: CILIARY DYSKINESIA, PRIMARY, 14, WITH OR WITHOUT SITUS INVERSUS. Identifiers: Orphanet 244, MedGen C3151136, MONDO:0013434, OMIM 613807.

Submissions (4):

Labcorp Genetics (formerly Invitae), Labcorp
Classification: Pathogenic for Primary ciliary dyskinesia. Last evaluated: 2024-02-25. Review status: criteria provided, single submitter. Criteria: Invitae Variant Classification Sherloc (09022015). Collection method: clinical testing. Allele origin: germline.
Comment: This sequence change creates a premature translational stop signal (p.Leu204Asnfs*27) in the CCDC39 gene. It is expected to result in an absent or disrupted protein product. Loss-of-function variants in CCDC39 are known to be pathogenic (PMID: 21131972, 23255504). This variant is present in population databases (no rsID available, gnomAD 0.0009%). This premature translational stop signal has been observed in individual(s) with CCDC39-related conditions (Invitae). ClinVar contains an entry for this variant (Variation ID: 525300). Algorithms developed to predict the effect of sequence changes on RNA splicing suggest that this variant may disrupt the consensus splice site. For these reasons, this variant has been classified as Pathogenic.

Fulgent Genetics
Classification: Likely pathogenic for Primary ciliary dyskinesia 14. Last evaluated: 2022-04-28. Review status: criteria provided, single submitter. Criteria: ACMG Guidelines, 2015. Collection method: clinical testing. Allele origin: unknown.

Juno Genomics, Hangzhou Juno Genomics, Inc
Classification: Likely pathogenic for Primary ciliary dyskinesia 14. Review status: criteria provided, single submitter. Criteria: ACMG Guidelines, 2015. Collection method: clinical testing. Allele origin: germline.
Comment: Null variant in a gene where loss of function (LOF) is a known mechanism of disease.;Absent from controls (or at extremely low frequency if recessive) in Genome Aggregation Database.

PreventionGenetics, part of Exact Sciences
Classification: Likely pathogenic for CCDC39-related condition. Last evaluated: 2024-03-28. Review status: no assertion criteria provided. Collection method: clinical testing. Allele origin: germline. Not counted in ClinVar's aggregate classification.
Comment: The CCDC39 c.610_613delTTAG variant is predicted to result in a frameshift and premature protein termination (p.Leu204Asnfs*27). To our knowledge, this variant has not been reported in the literature. This variant is reported in 0.00089% of alleles in individuals of European (Non-Finnish) descent in gnomAD. Frameshift variants in CCDC39 are expected to be pathogenic. This variant is interpreted as likely pathogenic.

Literature cited by the submitters: PubMed 21131972 (cited by Labcorp Genetics (formerly Invitae), Labcorp); PubMed 23255504 (cited by Labcorp Genetics (formerly Invitae), Labcorp).